The following is an entry in ClinVar:

ClinVar aggregate classification (germline): Pathogenic (1 of 4 stars; one submission).

Conditions:
Tuberous sclerosis 1 (TSC1). Identifiers: Orphanet 805, MedGen C1854465, MONDO:0008612, OMIM 191100.

Submission:

Labcorp Genetics (formerly Invitae), Labcorp
Classification: Pathogenic for Tuberous sclerosis 1. Last evaluated: 2019-09-10. Review status: criteria provided, single submitter. Criteria: Invitae Variant Classification Sherloc (09022015). Collection method: clinical testing. Allele origin: germline.
Comment: This sequence change inserts a large fragment of DNA, likely a transposable element, in exon 5 of the TSC1 gene (c.360_361insSVA), causing a frameshift at codon 121 (p.Lys121fs). The exact size and sequence of the insertion cannot be determined by the current assay. However, the insertion is expected to result in an absent or disrupted protein product. This variant is not present in population databases (ExAC no frequency). This variant has not been reported in the literature in individuals with TSC1-related conditions. Retrotransposon insertions including LINE1 (L1), Alu, and SVA (SINE-VNTR-Alu) have been reported to be disease-causing through disruption of either a coding region or splice site (PMID: 19763152, 20307669, 22406018) and loss-of-function variants in TSC1 are known to be pathogenic (PMID: 10227394, 17304050). For these reasons, this variant has been classified as Pathogenic.

Literature cited by the submitters: PubMed 20307669; PubMed 22406018; PubMed 10227394; PubMed 19763152; PubMed 17304050.

NM_000368.5(TSC1):c.360_361insSVAelement

Gene: TSC1 (TSC complex subunit 1; minus strand). Cytogenetic location: 9q34.13.
Variant type: Insertion.
Coding change: c.360_361insSVAelement on transcript NM_000368.5; coding-DNA positions 360 to 361, an insertion.
Other names: NM_000368.4:c.360_361insSVA.
Identifiers: ClinVar variation 870235 (VCV000870235.1).